The following is an entry in ClinVar:

NM_007289.4(MME):c.769C>G (p.Arg257Gly)

Gene: MME (membrane metalloendopeptidase; plus strand). Cytogenetic location: 3q25.2.
Variant type: single nucleotide variant.
Coding change: c.769C>G on transcript NM_007289.4 (MANE Select); coding-DNA position 769, C replaced by G.
Protein change: p.Arg257Gly; replaces arginine 257 with glycine.
Molecular consequence: missense variant.
Genome position (GRCh38, 1-based): chr3:155,138,150, C>G. VCF-style: chr3-155138150-C-G. GRCh37 (hg19) VCF-style: chr3-154855939-C-G.
Other names: c.769C>G, p.Arg257Gly (NM_000902.5, NM_001354642.2, NM_001354643.1 and 2 more transcripts); c.769C>G (NM_007289.2); short protein forms R257G.
Identifiers: ClinVar variation 1991326 (VCV001991326.2), dbSNP rs145687755, ClinGen allele CA355129267.

ClinVar aggregate classification (germline): Uncertain significance. Review status: criteria provided, multiple submitters, no conflicts (2 of 4 stars). 2 submissions from 2 submitters: Uncertain significance (2). Last evaluated 2025-03-06.

Conditions:
Inborn genetic diseases. Identifiers: MedGen C0950123, MeSH D030342.

Submissions (2):

Ambry Genetics
Classification: Uncertain significance for Inborn genetic diseases. Last evaluated: 2025-03-06. Review status: criteria provided, single submitter. Criteria: Ambry Variant Classification Scheme 2023. Collection method: clinical testing. Allele origin: germline.

Labcorp Genetics (formerly Invitae), Labcorp
Classification: Uncertain significance. Last evaluated: 2022-07-04. Review status: criteria provided, single submitter. Criteria: Invitae Variant Classification Sherloc (09022015). Collection method: clinical testing. Allele origin: germline.
Comment: This sequence change replaces arginine, which is basic and polar, with glycine, which is neutral and non-polar, at codon 257 of the MME protein (p.Arg257Gly). This variant is present in population databases (no rsID available, gnomAD 0.002%). This variant has not been reported in the literature in individuals affected with MME-related conditions. Algorithms developed to predict the effect of missense changes on protein structure and function are either unavailable or do not agree on the potential impact of this missense change (SIFT: "Tolerated"; PolyPhen-2: "Probably Damaging"; Align-GVGD: "Class C0"). In summary, the available evidence is currently insufficient to determine the role of this variant in disease. Therefore, it has been classified as a Variant of Uncertain Significance.